The following is an entry in ClinVar:

ClinVar aggregate classification (germline): Pathogenic (1 of 4 stars; one submission).

Conditions:
Autoimmune enteropathy and endocrinopathy - susceptibility to chronic infections syndrome. Also called: Immunodeficiency 31C; Immunodeficiency 31C, autosomal dominant. Identifiers: Orphanet 391487, MedGen C3279990, MONDO:0013599, OMIM 614162.
Mendelian susceptibility to mycobacterial diseases due to partial STAT1 deficiency. Also called: IMMUNODEFICIENCY 31A, MYCOBACTERIOSIS, AUTOSOMAL DOMINANT; STAT1 DEFICIENCY, AUTOSOMAL DOMINANT; Immunodeficiency 31a. Identifiers: Orphanet 319595, MedGen C4013950, MONDO:0013956, OMIM 614892.
Immunodeficiency 31B. Also called: STAT1 DEFICIENCY, AUTOSOMAL RECESSIVE; IMMUNODEFICIENCY 31B, MYCOBACTERIAL AND VIRAL INFECTIONS, AUTOSOMAL RECESSIVE. Identifiers: Orphanet 391311, MedGen C3151088, MONDO:0013427, OMIM 613796.

Submission:

Labcorp Genetics (formerly Invitae), Labcorp
Classification: Pathogenic for Mendelian susceptibility to mycobacterial diseases due to partial STAT1 deficiency; Immunodeficiency 31B; Autoimmune enteropathy and endocrinopathy - susceptibility to chronic infections syndrome. Last evaluated: 2025-08-06. Review status: criteria provided, single submitter. Criteria: Invitae Variant Classification Sherloc (09022015). Collection method: clinical testing. Allele origin: germline.
Comment: This sequence change creates a premature translational stop signal (p.Ile612Serfs*53) in the STAT1 gene. It is expected to result in an absent or disrupted protein product. Loss-of-function variants in STAT1 are known to be pathogenic (PMID: 22651901). This variant is not present in population databases (gnomAD no frequency). This variant has not been reported in the literature in individuals affected with STAT1-related conditions. For these reasons, this variant has been classified as Pathogenic.

Literature cited by the submitters: PubMed 22651901.

NM_007315.4(STAT1):c.1833del (p.Ile612fs)

Gene: STAT1 (signal transducer and activator of transcription 1; minus strand). Cytogenetic location: 2q32.2.
Variant type: Deletion.
Coding change: c.1833del on transcript NM_007315.4 (MANE Select); coding-DNA position 1833, one base deleted (C; older notation c.1833delC).
Protein change: p.Ile612fs; shifts the reading frame from isoleucine 612.
Molecular consequence: frameshift variant.
Genome position (GRCh38, 1-based): chr2:190,978,896, G deleted on the plus strand (C on the coding strand, the reverse complement: STAT1 is on the minus strand); the first of 2 consecutive G bases (chr2:190,978,896-190,978,897); deleting either gives the same sequence. VCF-style (leftmost placement, unchanged base first): chr2-190978895-TG-T. GRCh37 (hg19) VCF-style: chr2-191843621-TG-T.
Other names: c.1773del, p.Ile592fs (NM_001384880.1); c.1839del, p.Ile614fs (NM_001384881.1, NM_001384884.1); c.1827del, p.Ile610fs (NM_001384882.1); c.1734del, p.Ile579fs (NM_001384883.1); c.1674del, p.Ile559fs (NM_001384885.1); c.1833del, p.Ile612fs (NM_001384886.1, NM_001384889.1, NM_001437284.1 and 1 more transcripts); c.1740del, p.Ile581fs (NM_001384887.1); c.1803del, p.Ile602fs (NM_001384888.1); and 2 more; short protein forms I579fs, I582fs, I610fs, I624fs, I581fs, I592fs, I559fs, I602fs.
Identifiers: ClinVar variation 4783914 (VCV004783914.1).
Genomic context (GRCh38, chr2:190,978,895, plus strand): 5'-TGTGCTCAAACTCCCACTCACCGCCTCCGTTCTGGGACCGCTCCACCCATGTGAATGTGA[TG>T]GCCCCTTCCCGGGAGCTCTCACTGAACCGCAGCAGGAAGGTCCCCGGCTGCTGGTCCTTC-3'